The following is an entry in ClinVar:

ClinVar aggregate classification (germline): Uncertain significance. Review status: criteria provided, multiple submitters, no conflicts (2 of 4 stars). 3 submissions from 3 submitters: Uncertain significance (3). Last evaluated 2026-09-17.

Conditions:
KIZ-related disorder. Also called: KIZ-related condition.

Allele frequency attached by ClinVar (database versions not stated): gnomAD exomes 0.00003 and 0.00007; ExAC 0.00013; gnomAD 0.00019 and 0.00021; 1000 Genomes Project 0.00020; TOPMed 0.00021; 1000 Genomes Project 30x 0.00031; ESP Exome Variant Server 0.00049.
gnomAD v4.1: 103 of 1,597,484 alleles (0.0064%); highest among the groups gnomAD compares: African/African-American, 0.099%; no homozygotes.

Submissions (3):

PreventionGenetics, part of Exact Sciences
Classification: Uncertain significance for KIZ-related condition. Last evaluated: 2026-09-17. Review status: criteria provided, single submitter. Criteria: ACMG Guidelines, 2015. Collection method: clinical testing. Allele origin: germline.
Comment: The KIZ c.1776C>A variant is predicted to result in the amino acid substitution p.His592Gln. To our knowledge, this variant has not been reported in the literature. This variant is reported in 0.089% of alleles in individuals of African descent in gnomAD. At this time, the clinical significance of this variant is uncertain due to the absence of conclusive functional and genetic evidence.

Blueprint Genetics
Classification: Uncertain significance. Last evaluated: 2023-12-13. Review status: criteria provided, single submitter. Criteria: ACMG Guidelines, 2015. Collection method: clinical testing. Allele origin: germline.

Labcorp Genetics (formerly Invitae), Labcorp
Classification: Uncertain significance. Last evaluated: 2022-08-09. Review status: criteria provided, single submitter. Criteria: Invitae Variant Classification Sherloc (09022015). Collection method: clinical testing. Allele origin: germline.
Comment: This sequence change replaces histidine, which is basic and polar, with glutamine, which is neutral and polar, at codon 592 of the KIZ protein (p.His592Gln). This variant is present in population databases (rs139272874, gnomAD 0.09%). This variant has not been reported in the literature in individuals affected with KIZ-related conditions. ClinVar contains an entry for this variant (Variation ID: 1042291). Algorithms developed to predict the effect of missense changes on protein structure and function output the following: SIFT: "Not Available"; PolyPhen-2: "Not Available"; Align-GVGD: "Not Available". The glutamine amino acid residue is found in multiple mammalian species, which suggests that this missense change does not adversely affect protein function. In summary, the available evidence is currently insufficient to determine the role of this variant in disease. Therefore, it has been classified as a Variant of Uncertain Significance.

NM_018474.6(KIZ):c.1776C>A (p.His592Gln)

Gene: KIZ (kizuna centrosomal protein; plus strand). Cytogenetic location: 20p11.23.
Variant type: single nucleotide variant.
Coding change: c.1776C>A on transcript NM_018474.6 (MANE Select); coding-DNA position 1776, C replaced by A.
Protein change: p.His592Gln; replaces histidine 592 with glutamine.
Molecular consequence: missense variant.
Genome position (GRCh38, 1-based): chr20:21,229,108, C>A. VCF-style: chr20-21229108-C-A. GRCh37 (hg19) VCF-style: chr20-21209746-C-A.
Other names: c.1467C>A, p.His489Gln (NM_001163022.3); c.1377C>A, p.His459Gln (NM_001163023.3); c.1629C>A, p.His543Gln (NM_001276389.2); c.1722C>A, p.His574Gln (NM_001352434.2); c.1413C>A, p.His471Gln (NM_001352435.2); c.1434C>A, p.His478Gln (NM_001352436.2); c.1776C>A (NM_018474.5); short protein forms H543Q, H574Q, H459Q, H471Q, H489Q, H478Q, H592Q.
Identifiers: ClinVar variation 1042291 (VCV001042291.6), dbSNP rs139272874, ClinGen allele CA9784968.
Genomic context (GRCh38, chr20:21,229,108, plus strand): 5'-TCAGGATAATACAAATCAAACTGAAAACAGGTTTCAAAAGACAGATGCTTCTGTGTCACA[C>A]TTGTCAGGTAAGTAAGAGCAGATGGCAGTGTCCAGGGGCCCAGAGTGGCAGGCAGGGCTG-3'
Protein context (NP_060944.3, residues 582-602): RFQKTDASVS[His592Gln]LSGLNIGSGA